The following is an entry in ClinVar:

ClinVar aggregate classification (germline): Benign/Likely benign. Review status: criteria provided, multiple submitters, no conflicts (2 of 4 stars). 8 submissions from 8 submitters: Benign (1); Likely benign (6). 1 of the submissions does not count toward it. Last evaluated 2026-02-01.

Conditions:
STK11-related disorder. Also called: STK11-related condition.
Hereditary cancer-predisposing syndrome. Also called: Hereditary neoplastic syndrome; Tumor predisposition; Neoplastic Syndromes, Hereditary; Hereditary Cancer Syndrome. Identifiers: Orphanet 140162, MedGen C0027672, MeSH D009386, MONDO:0015356.
Peutz-Jeghers syndrome (PJS). Also called: Peutz-Jeghers polyposis; Periorificial lentiginosis syndrome; POLYPOSIS, HAMARTOMATOUS INTESTINAL; POLYPS-AND-SPOTS SYNDROME. Identifiers: Orphanet 2869, MedGen C0031269, MeSH D010580, MONDO:0008280, OMIM 175200.

Allele frequency attached by ClinVar (database versions not stated): gnomAD exomes 0.00001; ExAC 0.00002.
gnomAD v4.1: 11 of 1,609,226 alleles (0.00068%); highest among the groups gnomAD compares: South Asian, 0.0077%; no homozygotes.

Submissions (8):

Labcorp Genetics (formerly Invitae), Labcorp
Classification: Likely benign for Peutz-Jeghers syndrome. Last evaluated: 2026-02-01. Review status: criteria provided, single submitter. Criteria: Invitae Variant Classification Sherloc (09022015). Collection method: clinical testing. Allele origin: germline.

Myriad Genetics, Inc.
Classification: Benign for Peutz-Jeghers syndrome. Last evaluated: 2025-03-27. Review status: criteria provided, single submitter. Criteria: Myriad Autosomal Dominant, Autosomal Recessive and X-Linked Classification Criteria (2023). Collection method: clinical testing. Allele origin: unknown.
Comment: This variant is considered benign. This variant is a silent/synonymous amino acid change and it is not expected to impact splicing.

All of Us Research Program, National Institutes of Health
Classification: Likely benign for Peutz-Jeghers syndrome. Last evaluated: 2023-10-30. Review status: criteria provided, single submitter. Criteria: ACMG Guidelines, 2015. Collection method: clinical testing. Allele origin: germline. Inheritance: Autosomal dominant inheritance. Observed: 2 variant alleles, 2 heterozygotes.
Comment: This study involves interpretation of variants in research participants for the purpose of population health screening. Participant phenotype was not available at the time of variant classification. Additional details can be found in publication PMID: 35346344, PMCID: PMC8962531

Department of Pathology and Laboratory Medicine, Sinai Health System
Classification: Likely benign for Peutz-Jeghers syndrome. Last evaluated: 2021-11-02. Review status: criteria provided, single submitter. Criteria: ACMG Guidelines, 2015. Collection method: clinical testing. Allele origin: germline. Affected: yes.

GeneDx
Classification: Likely benign. Last evaluated: 2020-03-17. Review status: criteria provided, single submitter. Criteria: GeneDx Variant Classification Process June 2021. Collection method: clinical testing. Allele origin: germline. Affected: yes.

Ambry Genetics
Classification: Likely benign for Hereditary cancer-predisposing syndrome. Last evaluated: 2019-05-16. Review status: criteria provided, single submitter. Criteria: Ambry Variant Classification Scheme 2023. Collection method: clinical testing. Allele origin: germline.

Color Diagnostics, LLC DBA Color Health
Classification: Likely benign for Hereditary cancer-predisposing syndrome. Last evaluated: 2017-12-21. Review status: criteria provided, single submitter. Criteria: ACMG Guidelines, 2015. Collection method: clinical testing. Allele origin: germline.

PreventionGenetics, part of Exact Sciences
Classification: Likely benign for STK11-related condition. Last evaluated: 2021-01-03. Review status: no assertion criteria provided. Collection method: clinical testing. Allele origin: germline. Not counted in ClinVar's aggregate classification.
Comment: This variant is classified as likely benign based on ACMG/AMP sequence variant interpretation guidelines (Richards et al. 2015 PMID: 25741868, with internal and published modifications).

NM_000455.5(STK11):c.843G>A (p.Pro281=)

Gene: STK11 (serine/threonine kinase 11; plus strand). Cytogenetic location: 19p13.3.
Variant type: single nucleotide variant.
Coding change: c.843G>A on transcript NM_000455.5 (MANE Select); coding-DNA position 843, G replaced by A.
Protein change: p.Pro281=; no amino-acid change (proline 281 retained).
Molecular consequence: synonymous variant.
Genome position (GRCh38, 1-based): chr19:1,221,321, G>A. VCF-style: chr19-1221321-G-A. GRCh37 (hg19) VCF-style: chr19-1221320-G-A.
Identifiers: ClinVar variation 380748 (VCV000380748.63), dbSNP rs756095270, ClinGen allele CA049126.